The following is an entry in ClinVar:

ClinVar aggregate classification (germline): Uncertain significance. Review status: criteria provided, multiple submitters, no conflicts (2 of 4 stars). 2 submissions from 2 submitters: Uncertain significance (2). Last evaluated 2024-08-28.

Conditions:
Inborn genetic diseases. Identifiers: MedGen C0950123, MeSH D030342.

Allele frequency attached by ClinVar (database versions not stated): gnomAD exomes 0.00002 and 0.00006; ExAC 0.00008; 1000 Genomes Project 0.00020; ESP Exome Variant Server 0.00023; 1000 Genomes Project 30x 0.00031.

Submissions (2):

Ambry Genetics
Classification: Uncertain significance for Inborn genetic diseases. Last evaluated: 2024-08-28. Review status: criteria provided, single submitter. Criteria: Ambry Variant Classification Scheme 2023. Collection method: clinical testing. Allele origin: germline.

Labcorp Genetics (formerly Invitae), Labcorp
Classification: Uncertain significance. Last evaluated: 2022-11-15. Review status: criteria provided, single submitter. Criteria: Invitae Variant Classification Sherloc (09022015). Collection method: clinical testing. Allele origin: germline.
Comment: In summary, the available evidence is currently insufficient to determine the role of this variant in disease. Therefore, it has been classified as a Variant of Uncertain Significance. Advanced modeling of protein sequence and biophysical properties (such as structural, functional, and spatial information, amino acid conservation, physicochemical variation, residue mobility, and thermodynamic stability) performed at Invitae indicates that this missense variant is not expected to disrupt DLX3 protein function. ClinVar contains an entry for this variant (Variation ID: 1402690). This variant has not been reported in the literature in individuals affected with DLX3-related conditions. This variant is present in population databases (rs376543839, gnomAD 0.06%), and has an allele count higher than expected for a pathogenic variant. This sequence change replaces alanine, which is neutral and non-polar, with threonine, which is neutral and polar, at codon 214 of the DLX3 protein (p.Ala214Thr).

NM_005220.3(DLX3):c.640G>A (p.Ala214Thr)

Gene: DLX3 (distal-less homeobox 3; minus strand). Cytogenetic location: 17q21.33.
Variant type: single nucleotide variant.
Coding change: c.640G>A on transcript NM_005220.3 (MANE Select); coding-DNA position 640, G replaced by A.
Protein change: p.Ala214Thr; replaces alanine 214 with threonine.
Molecular consequence: missense variant.
Genome position (GRCh38, 1-based): chr17:49,991,741, C>T on the plus strand (G>A on the coding strand, the complement: DLX3 is on the minus strand). VCF-style: chr17-49991741-C-T. GRCh37 (hg19) VCF-style: chr17-48069105-C-T.
Other names: c.640G>A (NM_005220.2); short protein forms A214T.
Identifiers: ClinVar variation 1402690 (VCV001402690.8), dbSNP rs376543839, ClinGen allele CA8640977.